The following is an entry in ClinVar:

ClinVar aggregate classification (germline): Likely benign (1 of 4 stars; one submission).

Allele frequency attached by ClinVar (database versions not stated): 1000 Genomes Project 30x 0.00062; 1000 Genomes Project 0.00080; ESP Exome Variant Server 0.00085; TOPMed 0.00161.
gnomAD v4.1: 2,595 of 1,614,018 alleles (0.16%); highest among the groups gnomAD compares: Non-Finnish European, 0.2%; 1 homozygote.

Submission:

CeGaT Center for Human Genetics Tuebingen
Classification: Likely benign. Last evaluated: 2022-05-01. Review status: criteria provided, single submitter. Criteria: CeGaT Center For Human Genetics Tuebingen Variant Classification Criteria Version 2. Collection method: clinical testing. Allele origin: germline. Affected: yes. Observed: 1 variant allele.
Comment: OSBPL10: BP4, BP7

NM_017784.5(OSBPL10):c.669G>A (p.Ser223=)

Gene: OSBPL10 (oxysterol binding protein like 10; minus strand). Cytogenetic location: 3p23.
Variant type: single nucleotide variant.
Coding change: c.669G>A on transcript NM_017784.5 (MANE Select); coding-DNA position 669, G replaced by A.
Protein change: p.Ser223=; no amino-acid change (serine 223 retained).
Molecular consequence: synonymous variant. On other transcripts: intron variant (1).
Genome position (GRCh38, 1-based): chr3:31,830,100, C>T on the plus strand (G>A on the coding strand, the complement: OSBPL10 is on the minus strand). VCF-style: chr3-31830100-C-T. GRCh37 (hg19) VCF-style: chr3-31871592-C-T.
Other names: c.537+46333G>A (NM_001174060.2).
Identifiers: ClinVar variation 2653644 (VCV002653644.24), dbSNP rs74377137, ClinGen allele CA2295961.